The following is an entry in ClinVar:

NM_000217.3(KCNA1):c.1378G>T (p.Asp460Tyr)

Gene: KCNA1 (potassium voltage-gated channel subfamily A member 1; plus strand). Cytogenetic location: 12p13.32.
Variant type: single nucleotide variant.
Coding change: c.1378G>T on transcript NM_000217.3 (MANE Select); coding-DNA position 1378, G replaced by T.
Protein change: p.Asp460Tyr; replaces aspartic acid 460 with tyrosine.
Molecular consequence: missense variant.
Genome position (GRCh38, 1-based): chr12:4,912,756, G>T. VCF-style: chr12-4912756-G-T. GRCh37 (hg19) VCF-style: chr12-5021922-G-T.
Other names: short protein forms D460Y.
Identifiers: ClinVar variation 1055177 (VCV001055177.10), dbSNP rs754731331, ClinGen allele CA383456651.

ClinVar aggregate classification (germline): Uncertain significance. Review status: criteria provided, multiple submitters, no conflicts (2 of 4 stars). 2 submissions from 2 submitters: Uncertain significance (2). Last evaluated 2025-11-10.

Conditions:
Episodic ataxia type 1 (EA1). Also called: PAROXYSMAL ATAXIA WITH NEUROMYOTONIA, HEREDITARY; MYOKYMIA WITH PERIODIC ATAXIA; Episodic ataxia/myokymia syndrome; ATAXIA, EPISODIC, WITH MYOKYMIA. Identifiers: Orphanet 37612, Orphanet 972, MedGen C1719788, MONDO:0008047, OMIM 160120.

Allele frequency attached by ClinVar (database versions not stated): TOPMed below 0.00001.

Submissions (2):

Labcorp Genetics (formerly Invitae), Labcorp
Classification: Uncertain significance for Episodic ataxia type 1. Last evaluated: 2025-11-10. Review status: criteria provided, single submitter. Criteria: Invitae Variant Classification Sherloc (09022015). Collection method: clinical testing. Allele origin: germline.
Comment: This sequence change replaces aspartic acid, which is acidic and polar, with tyrosine, which is neutral and polar, at codon 460 of the KCNA1 protein (p.Asp460Tyr). This variant is not present in population databases (gnomAD no frequency). This variant has not been reported in the literature in individuals affected with KCNA1-related conditions. ClinVar contains an entry for this variant (Variation ID: 1055177). Invitae Evidence Modeling of protein sequence and biophysical properties (such as structural, functional, and spatial information, amino acid conservation, physicochemical variation, residue mobility, and thermodynamic stability) indicates that this missense variant is not expected to disrupt KCNA1 protein function with a negative predictive value of 80%. In summary, the available evidence is currently insufficient to determine the role of this variant in disease. Therefore, it has been classified as a Variant of Uncertain Significance.

Fulgent Genetics
Classification: Uncertain significance for Episodic ataxia type 1. Last evaluated: 2022-01-06. Review status: criteria provided, single submitter. Criteria: ACMG Guidelines, 2015. Collection method: clinical testing. Allele origin: unknown.